The following is an entry in ClinVar:

ClinVar aggregate classification (germline): Likely pathogenic (1 of 4 stars; one submission).

Conditions:
Duchenne muscular dystrophy (DMD). Also called: Duchenne Muscular Dystrophy (DMD); MUSCULAR DYSTROPHY, PSEUDOHYPERTROPHIC PROGRESSIVE, DUCHENNE TYPE. Identifiers: Orphanet 98896, MedGen C0013264, MONDO:0010679, OMIM 310200.

Submission:

Department of Neurology, The Second Hospital of Hebei Medical University
Classification: Likely pathogenic for Duchenne muscular dystrophy. Last evaluated: 2020-06-04. Review status: criteria provided, single submitter. Criteria: ACMG Guidelines, 2015. Collection method: research. Allele origin: maternal. Inheritance: X-linked recessive inheritance. Affected: yes.
Comment: The frameshift mutation in exon 42 of the DMD gene has been reported in DMD mutation spectrum analysis in 613 Chinese patients with dystrophinopathy(Ruolan Guo 2015). No relevant reports on this locus were found in the literature database. The ClinVar database contains no pathogenicity analysis results for this locus.Based on ACMG guidelines, this mutation is classified as "likely pathogenic."

Literature cited by the submitters: PubMed 25972034; PubMed 28344651; PubMed 17024373.

NM_004006.3(DMD):c.5938del (p.Glu1980fs)

Gene: DMD (dystrophin; minus strand). Cytogenetic location: Xp21.1.
Variant type: Deletion.
Coding change: c.5938del on transcript NM_004006.3 (MANE Select); coding-DNA position 5938, one base deleted (G; older notation c.5938delG).
Protein change: p.Glu1980fs; shifts the reading frame from glutamic acid 1980.
Molecular consequence: frameshift variant.
Genome position (GRCh38, 1-based): chrX:32,310,261, C deleted on the plus strand (G on the coding strand, the reverse complement: DMD is on the minus strand). VCF-style (leftmost placement, unchanged base first): chrX-32310260-TC-T. GRCh37 (hg19) VCF-style: chrX-32328377-TC-T.
Other names: c.5914del, p.Glu1972fs (NM_000109.4); c.5926del, p.Glu1976fs (NM_004009.3); c.5569del, p.Glu1857fs (NM_004010.3); c.1915del, p.Glu639fs (NM_004011.4); c.1906del, p.Glu636fs (NM_004012.4); short protein forms E1857fs, E639fs, E636fs, E1972fs, E1976fs, E1980fs.
Identifiers: ClinVar variation 3912076 (VCV003912076.1).
Genomic context (GRCh38, chrX:32,310,260, plus strand): 5'-TAAGTAGAAGGCACATAAGAAATTTCCAAAGGCATGTCTTCAGTCATCACCATCATCGTT[TC>T]TTCACGGACAGTGTGCTGGTATAGATATACAAAAGAACAATTTTTTTTAGCTTCCTAACA-3'